The following is an entry in ClinVar:

NC_000005.10:g.112707393C>G

Gene: APC (APC regulator of Wnt signaling pathway; plus strand). Cytogenetic location: 5q22.2.
Variant type: single nucleotide variant.
Genome position: GRCh38 VCF-style: chr5-112707393-C-G. GRCh37 (hg19) VCF-style: chr5-112043090-C-G.
Identifiers: ClinVar variation 469884 (VCV000469884.10), dbSNP rs994601309, ClinGen allele CA124924605.

ClinVar aggregate classification (germline): Uncertain significance (1 of 4 stars; one submission).

Conditions:
Familial adenomatous polyposis 1 (FAP1). Also called: FAMILIAL ADENOMATOUS POLYPOSIS 1, ATTENUATED; POLYPOSIS, ADENOMATOUS INTESTINAL. Identifiers: MedGen C2713442, MONDO:0021056, OMIM 175100. Disease mechanism: loss of function.

Allele frequency attached by ClinVar (database versions not stated): gnomAD 0.00004 and 0.00003; TOPMed 0.00006; gnomAD exomes below 0.00001.

Submission:

Labcorp Genetics (formerly Invitae), Labcorp
Classification: Uncertain significance for Familial adenomatous polyposis 1. Last evaluated: 2026-01-06. Review status: criteria provided, single submitter. Criteria: Invitae Variant Classification Sherloc (09022015). Collection method: clinical testing. Allele origin: germline.
Comment: This variant occurs in a non-coding region of the APC gene. It does not change the encoded amino acid sequence of the APC protein. This variant is present in population databases (no rsID available, gnomAD 0.01%). This variant has not been reported in the literature in individuals affected with APC-related conditions. ClinVar contains an entry for this variant (Variation ID: 469884). Experimental studies and prediction algorithms are not available or were not evaluated, and the functional significance of this variant is currently unknown. In summary, the available evidence is currently insufficient to determine the role of this variant in disease. Therefore, it has been classified as a Variant of Uncertain Significance.